The following is an entry in ClinVar:

ClinVar aggregate classification (germline): Uncertain significance. Review status: criteria provided, multiple submitters, no conflicts (2 of 4 stars). 3 submissions from 3 submitters: Uncertain significance (3). Last evaluated 2025-04-01.

Conditions:
Inborn genetic diseases. Identifiers: MedGen C0950123, MeSH D030342.
Mitochondrial complex IV deficiency, nuclear type 4. Also called: Mitochondrial complex 4 deficiency, nuclear type 4. Identifiers: MedGen C5436683, MONDO:0033636, OMIM 619048.

Allele frequency attached by ClinVar (database versions not stated): 1000 Genomes Project 30x 0.00031; gnomAD exomes 0.00001; ExAC 0.00002; ESP Exome Variant Server 0.00008; gnomAD 0.00008; TOPMed 0.00011; 1000 Genomes Project 0.00020.

Submissions (3):

Ambry Genetics
Classification: Uncertain significance for Inborn genetic diseases. Last evaluated: 2025-04-01. Review status: criteria provided, single submitter. Criteria: Ambry Variant Classification Scheme 2023. Collection method: clinical testing. Allele origin: germline.

Fulgent Genetics
Classification: Uncertain significance for Mitochondrial complex IV deficiency, nuclear type 4. Last evaluated: 2024-03-08. Review status: criteria provided, single submitter. Criteria: ACMG Guidelines, 2015. Collection method: clinical testing. Allele origin: germline.

Labcorp Genetics (formerly Invitae), Labcorp
Classification: Uncertain significance. Last evaluated: 2022-11-01. Review status: criteria provided, single submitter. Criteria: Invitae Variant Classification Sherloc (09022015). Collection method: clinical testing. Allele origin: germline.
Comment: This sequence change replaces proline, which is neutral and non-polar, with leucine, which is neutral and non-polar, at codon 247 of the SCO1 protein (p.Pro247Leu). This variant is present in population databases (rs199666193, gnomAD 0.02%). This variant has not been reported in the literature in individuals affected with SCO1-related conditions. Advanced modeling of protein sequence and biophysical properties (such as structural, functional, and spatial information, amino acid conservation, physicochemical variation, residue mobility, and thermodynamic stability) performed at Invitae indicates that this missense variant is not expected to disrupt SCO1 protein function. In summary, the available evidence is currently insufficient to determine the role of this variant in disease. Therefore, it has been classified as a Variant of Uncertain Significance.

NM_004589.4(SCO1):c.740C>T (p.Pro247Leu)

Gene: SCO1 (synthesis of cytochrome C oxidase 1; minus strand). Cytogenetic location: 17p13.1.
Variant type: single nucleotide variant.
Coding change: c.740C>T on transcript NM_004589.4 (MANE Select); coding-DNA position 740, C replaced by T.
Protein change: p.Pro247Leu; replaces proline 247 with leucine.
Molecular consequence: missense variant.
Genome position (GRCh38, 1-based): chr17:10,686,758, G>A on the plus strand (C>T on the coding strand, the complement: SCO1 is on the minus strand). VCF-style: chr17-10686758-G-A. GRCh37 (hg19) VCF-style: chr17-10590075-G-A.
Other names: short protein forms P247L.
Identifiers: ClinVar variation 2081810 (VCV002081810.4), dbSNP rs199666193, ClinGen allele CA8393491.